The following is an entry in ClinVar:

NM_054027.6(ANKH):c.*3543G>T

Genes: ANKH (ANKH inorganic pyrophosphate transport regulator; minus strand), OTULIN (OTU deubiquitinase with linear linkage specificity; plus strand). Cytogenetic location: 5p15.2.
Variant type: single nucleotide variant.
Coding change: c.*3543G>T on transcript NM_054027.6 (MANE Select); 3543 bases downstream of the stop codon, G replaced by T.
Molecular consequence: 3 prime UTR variant.
Genome position (GRCh38, 1-based): chr5:14,707,654, C>A on the plus strand (G>T on the coding strand, the complement: ANKH is on the minus strand). VCF-style: chr5-14707654-C-A. GRCh37 (hg19) VCF-style: chr5-14707763-C-A.
Identifiers: ClinVar variation 907992 (VCV000907992.4), dbSNP rs114164305, ClinGen allele CA114020402.

ClinVar aggregate classification (germline): Benign. Review status: criteria provided, single submitter (1 of 4 stars). 2 submissions from 1 submitter: Benign (2). Last evaluated 2018-01-13.

Conditions:
Chondrocalcinosis 2. Also called: Familial calcium pyrophosphate deposition; CALCIUM GOUT; CALCIUM PYROPHOSPHATE ARTHROPATHY. Identifiers: Orphanet 1416, MedGen C0856830, MONDO:0007319, OMIM 118600.
Craniometaphyseal dysplasia, autosomal dominant (CMDD). Identifiers: Orphanet 1522, MedGen C1852502, MONDO:0007397, OMIM 123000.

Allele frequency attached by ClinVar (database versions not stated): gnomAD 0.01031 and 0.01111; 1000 Genomes Project 30x 0.01046; TOPMed 0.01139; 1000 Genomes Project 0.00938.

Submissions (2):

Illumina Laboratory Services, Illumina
Classification: Benign for Chondrocalcinosis 2. Last evaluated: 2018-01-13. Review status: criteria provided, single submitter. Criteria: ICSL Variant Classification Criteria 13 December 2019. Collection method: clinical testing. Allele origin: germline.
Comment: This variant was observed in the ICSL laboratory as part of a predisposition screen in an ostensibly healthy population. It had not been previously curated by ICSL or reported in the Human Gene Mutation Database (HGMD: prior to June 1st, 2018), and was therefore a candidate for classification through an automated scoring system. Utilizing variant allele frequency, disease prevalence and penetrance estimates, and inheritance mode, an automated score was calculated to assess if this variant is too frequent to cause the disease. Based on the score and internal cut-off values, a variant classified as benign is not then subjected to further curation. The score for this variant resulted in a classification of benign for this disease.

Illumina Laboratory Services, Illumina
Classification: Benign for Craniometaphyseal dysplasia, autosomal dominant. Last evaluated: 2018-01-13. Review status: criteria provided, single submitter. Criteria: ICSL Variant Classification Criteria 13 December 2019. Collection method: clinical testing. Allele origin: germline.
Comment: the same text as in the submission from Illumina Laboratory Services, Illumina above.